The following is an entry in ClinVar:

NM_004104.5(FASN):c.4787A>G (p.Asp1596Gly)

Gene: FASN (fatty acid synthase; minus strand). Cytogenetic location: 17q25.3.
Variant type: single nucleotide variant.
Coding change: c.4787A>G on transcript NM_004104.5 (MANE Select); coding-DNA position 4787, A replaced by G.
Protein change: p.Asp1596Gly; replaces aspartic acid 1596 with glycine.
Molecular consequence: missense variant.
Genome position (GRCh38, 1-based): chr17:82,084,366, T>C on the plus strand (A>G on the coding strand, the complement: FASN is on the minus strand). VCF-style: chr17-82084366-T-C. GRCh37 (hg19) VCF-style: chr17-80042242-T-C.
Other names: short protein forms D1596G.
Identifiers: ClinVar variation 2720679 (VCV002720679.3), dbSNP rs1453262918, ClinGen allele CA401543986.

ClinVar aggregate classification (germline): Uncertain significance (1 of 4 stars; one submission).

Conditions:
Epileptic encephalopathy. Identifiers: MedGen C0543888, HP:0200134.

Allele frequency attached by ClinVar (database versions not stated): gnomAD exomes below 0.00001; gnomAD 0.00001; TOPMed 0.00001.

Submission:

Labcorp Genetics (formerly Invitae), Labcorp
Classification: Uncertain significance for Epileptic encephalopathy. Last evaluated: 2023-06-16. Review status: criteria provided, single submitter. Criteria: Invitae Variant Classification Sherloc (09022015). Collection method: clinical testing. Allele origin: germline.
Comment: This sequence change replaces aspartic acid, which is acidic and polar, with glycine, which is neutral and non-polar, at codon 1596 of the FASN protein (p.Asp1596Gly). In summary, the available evidence is currently insufficient to determine the role of this variant in disease. Therefore, it has been classified as a Variant of Uncertain Significance. An algorithm developed to predict the effect of missense changes on protein structure and function (PolyPhen-2) suggests that this variant is likely to be disruptive. This variant has not been reported in the literature in individuals affected with FASN-related conditions. The frequency data for this variant in the population databases is considered unreliable, as metrics indicate poor data quality at this position in the gnomAD database.